The following is an entry in ClinVar:

ClinVar aggregate classification (germline): Pathogenic (1 of 4 stars; one submission).

Conditions:
Inborn genetic diseases. Identifiers: MedGen C0950123, MeSH D030342.

Submission:

Ambry Genetics
Classification: Pathogenic for Inborn genetic diseases. Last evaluated: 2026-09-11. Review status: criteria provided, single submitter. Criteria: Ambry Variant Classification Scheme 2023. Collection method: clinical testing. Allele origin: germline.
Comment: The c.1061dupC (p.E355*) variant, located in exon 7 (coding exon 6) of the POGZ gene, consists of a duplication of C at position 1061. This changes the amino acid from a glutamic acid to a stop codon at amino acid position 355. This variant is expected to result in loss of function by premature protein truncation or nonsense-mediated mRNA decay. This variant was not reported in population-based cohorts in the Genome Aggregation Database (gnomAD). Based on the available evidence, this alteration is classified as pathogenic.

NM_015100.4(POGZ):c.1061dup (p.Pro354_Glu355insTer)

Gene: POGZ (pogo transposable element derived with ZNF domain; minus strand). Cytogenetic location: 1q21.3.
Variant type: Duplication.
Coding change: c.1061dup on transcript NM_015100.4 (MANE Select); coding-DNA position 1061, one base duplicated (C; older notation c.1061dupC).
Protein change: p.Pro354_Glu355insTer.
Molecular consequence: frameshift variant.
Genome position (GRCh38, 1-based): chr1:151,427,840, G duplicated on the plus strand (C on the coding strand, the reverse complement: POGZ is on the minus strand); the first of 2 consecutive G bases (chr1:151,427,840-151,427,841); duplicating either gives the same sequence. VCF-style (leftmost placement, unchanged base first): chr1-151427839-A-AG. GRCh37 (hg19) VCF-style: chr1-151400315-A-AG.
Other names: c.1034dup, p.Pro345_Glu346insTer (NM_001194937.2); c.875dup, p.Pro292_Glu293insTer (NM_001194938.2); c.1082dup, p.Pro361_Glu362insTer (NM_001410860.1); c.776dup, p.Pro259_Glu260insTer (NM_145796.4); c.902dup, p.Pro301_Glu302insTer (NM_207171.2).
Identifiers: ClinVar variation 5026967 (VCV005026967.1).